The following is an entry in ClinVar:

ClinVar aggregate classification (germline): Benign. Review status: criteria provided, single submitter (1 of 4 stars). 2 submissions from 2 submitters: Benign (1). 1 of the submissions does not count toward it. Last evaluated 2020-02-03.

Conditions:
MYT1L-related disorder. Also called: MYT1L-related condition.

Allele frequency attached by ClinVar (database versions not stated): gnomAD exomes 0.00038; ExAC 0.00047; 1000 Genomes Project 0.00120; 1000 Genomes Project 30x 0.00125; gnomAD 0.00132 and 0.00140; ESP Exome Variant Server 0.00138; TOPMed 0.00147.
gnomAD v4.1: 450 of 1,614,062 alleles (0.028%); highest among the groups gnomAD compares: African/African-American, 0.49%; no homozygotes.

Submissions (2):

GeneDx
Classification: Benign. Last evaluated: 2020-02-03. Review status: criteria provided, single submitter. Criteria: GeneDx Variant Classification Process June 2021. Collection method: clinical testing. Allele origin: germline. Affected: yes.

PreventionGenetics, part of Exact Sciences
Classification: Benign for MYT1L-related condition. Last evaluated: 2019-06-07. Review status: no assertion criteria provided. Collection method: clinical testing. Allele origin: germline. Not counted in ClinVar's aggregate classification.
Comment: This variant is classified as benign based on ACMG/AMP sequence variant interpretation guidelines (Richards et al. 2015 PMID: 25741868, with internal and published modifications).

NM_001303052.2(MYT1L):c.817G>A (p.Gly273Ser)

Gene: MYT1L (myelin transcription factor 1 like; minus strand). Cytogenetic location: 2p25.3.
Variant type: single nucleotide variant.
Coding change: c.817G>A on transcript NM_001303052.2 (MANE Select); coding-DNA position 817, G replaced by A.
Protein change: p.Gly273Ser; replaces glycine 273 with serine.
Molecular consequence: missense variant.
Genome position (GRCh38, 1-based): chr2:1,922,952, C>T on the plus strand (G>A on the coding strand, the complement: MYT1L is on the minus strand). VCF-style: chr2-1922952-C-T. GRCh37 (hg19) VCF-style: chr2-1926724-C-T.
Other names: c.817G>A, p.Gly273Ser (NM_001329844.2, NM_001329845.1, NM_001329846.3 and 6 more transcripts); c.817G>A (NM_001303052.1); short protein forms G273S.
Identifiers: ClinVar variation 1221573 (VCV001221573.5), dbSNP rs200235250, ClinGen allele CA1514341.